The following is an entry in ClinVar:

ClinVar aggregate classification (germline): Uncertain significance. Review status: criteria provided, multiple submitters, no conflicts (2 of 4 stars). 2 submissions from 2 submitters: Uncertain significance (2). Last evaluated 2026-04-10.

Conditions:
ASXL1-related disorder. Also called: ASXL1-related condition; ASXL1-related disorders.

gnomAD v4.1: 28 of 1,613,926 alleles (0.0017%); highest among the groups gnomAD compares: African/African-American, 0.017%; no homozygotes.

Submissions (2):

PreventionGenetics, part of Exact Sciences
Classification: Uncertain significance for ASXL1-related condition. Last evaluated: 2026-04-10. Review status: criteria provided, single submitter. Criteria: ACMG Guidelines, 2015. Collection method: clinical testing. Allele origin: germline.
Comment: The ASXL1 c.170A>G variant is predicted to result in the amino acid substitution p.Asn57Ser. To our knowledge, this variant has not been reported in the literature. This variant is present in 0.024% of alleles in individuals of African descent in gnomAD. At this time, the clinical significance of this variant is uncertain due to the absence of conclusive functional and genetic evidence.

Labcorp Genetics (formerly Invitae), Labcorp
Classification: Uncertain significance. Last evaluated: 2024-05-23. Review status: criteria provided, single submitter. Criteria: Invitae Variant Classification Sherloc (09022015). Collection method: clinical testing. Allele origin: germline.
Comment: This sequence change replaces asparagine, which is neutral and polar, with serine, which is neutral and polar, at codon 57 of the ASXL1 protein (p.Asn57Ser). This variant is present in population databases (rs147225073, gnomAD 0.02%). This variant has not been reported in the literature in individuals affected with ASXL1-related conditions. An algorithm developed to predict the effect of missense changes on protein structure and function (PolyPhen-2) suggests that this variant is likely to be disruptive. In summary, the available evidence is currently insufficient to determine the role of this variant in disease. Therefore, it has been classified as a Variant of Uncertain Significance.

NM_015338.6(ASXL1):c.170A>G (p.Asn57Ser)

Gene: ASXL1 (ASXL transcriptional regulator 1; plus strand). Cytogenetic location: 20q11.21.
Variant type: single nucleotide variant.
Coding change: c.170A>G on transcript NM_015338.6 (MANE Select); coding-DNA position 170, A replaced by G.
Protein change: p.Asn57Ser; replaces asparagine 57 with serine.
Molecular consequence: missense variant.
Genome position (GRCh38, 1-based): chr20:32,369,041, A>G. VCF-style: chr20-32369041-A-G. GRCh37 (hg19) VCF-style: chr20-30956844-A-G.
Other names: c.170A>G, p.Asn57Ser (NM_001164603.1); c.140A>G, p.Asn47Ser (NM_001363734.1); short protein forms N47S, N57S.
Identifiers: ClinVar variation 3612486 (VCV003612486.3).